The following is an entry in ClinVar:

ClinVar aggregate classification (germline): Uncertain significance. Review status: criteria provided, multiple submitters, no conflicts (2 of 4 stars). 3 submissions from 3 submitters: Uncertain significance (3). Last evaluated 2025-07-16.

Conditions:
Dopa-responsive dystonia due to sepiapterin reductase deficiency. Also called: SPR DEFICIENCY; Sepiapterin reductase deficiency; DYT-SPR. Identifiers: Orphanet 70594, MedGen C0268468, MONDO:0012994, OMIM 612716.
Dystonic disorder. Also called: Dystonia. Identifiers: MedGen C0013421, MONDO:0003441, HP:0001332.

Allele frequency attached by ClinVar (database versions not stated): TOPMed below 0.00001; gnomAD 0.00001; gnomAD exomes 0.00001 and 0.00005; ExAC 0.00004.

Submissions (3):

GeneDx
Classification: Uncertain significance. Last evaluated: 2025-07-16. Review status: criteria provided, single submitter. Criteria: GeneDx Variant Classification Process June 2021. Collection method: clinical testing. Allele origin: germline. Affected: yes.
Comment: In silico analysis supports that this missense variant has a deleterious effect on protein structure/function; Has not been previously published as pathogenic or benign to our knowledge

Labcorp Genetics (formerly Invitae), Labcorp
Classification: Uncertain significance for Dystonic disorder. Last evaluated: 2021-09-17. Review status: criteria provided, single submitter. Criteria: Invitae Variant Classification Sherloc (09022015). Collection method: clinical testing. Allele origin: germline.

Illumina Laboratory Services, Illumina
Classification: Uncertain significance for Dopa-responsive dystonia due to sepiapterin reductase deficiency. Last evaluated: 2018-01-13. Review status: criteria provided, single submitter. Criteria: ICSL Variant Classification Criteria 13 December 2019. Collection method: clinical testing. Allele origin: germline.

NM_003124.5(SPR):c.536T>C (p.Met179Thr)

Gene: SPR (sepiapterin reductase; plus strand). Cytogenetic location: 2p13.2.
Variant type: single nucleotide variant.
Coding change: c.536T>C on transcript NM_003124.5 (MANE Select); coding-DNA position 536, T replaced by C.
Protein change: p.Met179Thr; replaces methionine 179 with threonine.
Molecular consequence: missense variant.
Genome position (GRCh38, 1-based): chr2:72,888,545, T>C. VCF-style: chr2-72888545-T-C. GRCh37 (hg19) VCF-style: chr2-73115674-T-C.
Other names: short protein forms M179T.
Identifiers: ClinVar variation 895872 (VCV000895872.8), dbSNP rs780440681, ClinGen allele CA1708977.
Genomic context (GRCh38, chr2:72,888,545, plus strand): 5'-GTGCCCTGCAACCTTTCAAAGGCTGGGCGCTGTACTGTGCAGGAAAGGCTGCTCGTGATA[T>C]GCTGTTCCAGGTCCTGGCGCTGGAGGAACCTAATGTGAGGGTGCTGAACTATGCCCCAGG-3'
Protein context (NP_003115.1, residues 169-189): LYCAGKAARD[Met179Thr]LFQVLALEEP